The following is an entry in ClinVar:

ClinVar aggregate classification (germline): Likely pathogenic (1 of 4 stars; one submission).

Conditions:
Familial cancer of breast. Also called: Hereditary breast cancer; BREAST CANCER, FAMILIAL; hereditary breast carcinoma. Identifiers: Orphanet 227535, MedGen C0346153, MONDO:0016419, OMIM 114480. Disease mechanism: loss of function.

Submission:

Myriad Genetics, Inc.
Classification: Likely pathogenic for Familial cancer of breast. Last evaluated: 2024-10-08. Review status: criteria provided, single submitter. Criteria: Myriad Autosomal Dominant, Autosomal Recessive and X-Linked Classification Criteria (2023). Collection method: clinical testing. Allele origin: unknown.
Comment: This variant is considered likely pathogenic. This variant occurs within a consensus splice junction and is predicted to result in abnormal mRNA splicing of either an out-of-frame exon or an in-frame exon necessary for protein stability and/or normal function.

NM_024675.4(PALB2):c.211+1G>C

Gene: PALB2 (partner and localizer of BRCA2; minus strand). Cytogenetic location: 16p12.2.
Variant type: single nucleotide variant.
Coding change: c.211+1G>C on transcript NM_024675.4 (MANE Select); the canonical splice donor site of the intron after coding-DNA position 211, G replaced by C.
Molecular consequence: splice donor variant. On other transcripts: intron variant (3).
Genome position (GRCh38, 1-based): chr16:23,637,849, C>G on the plus strand (G>C on the coding strand, the complement: PALB2 is on the minus strand). VCF-style: chr16-23637849-C-G. GRCh37 (hg19) VCF-style: chr16-23649170-C-G.
Other names: c.-675+1G>C (NM_001407308.1, NM_001407306.1, NM_001407307.1 and 5 more transcripts); c.48+3261G>C (NM_001407314.1); c.-105+3261G>C (NM_001407313.1, NM_001407312.1); c.151+1G>C (NM_001407296.1); c.211+1G>C (NM_001407297.1, NM_001407302.1, NM_001407298.1 and 3 more transcripts).
Identifiers: ClinVar variation 3772921 (VCV003772921.1).